The following is an entry in ClinVar:

NM_001365951.3(KIF1B):c.2722A>G (p.Thr908Ala)

Genes: KIF1B (kinesin family member 1B; plus strand), LOC126805614 (BRD4-independent group 4 enhancer GRCh37_chr1:10385546-10386745; plus strand). Cytogenetic location: 1p36.22.
Variant type: single nucleotide variant.
Coding change: c.2722A>G on transcript NM_001365951.3 (MANE Select); coding-DNA position 2722, A replaced by G.
Protein change: p.Thr908Ala; replaces threonine 908 with alanine.
Molecular consequence: missense variant.
Genome position (GRCh38, 1-based): chr1:10,326,157, A>G. VCF-style: chr1-10326157-A-G. GRCh37 (hg19) VCF-style: chr1-10386215-A-G.
Other names: c.2722A>G, p.Thr908Ala (NM_001365952.1); c.2584A>G, p.Thr862Ala (NM_015074.3); short protein forms T862A, T908A.
Identifiers: ClinVar variation 1793410 (VCV001793410.3), dbSNP rs1344885128, ClinGen allele CA338336912.

ClinVar aggregate classification (germline): Uncertain significance (1 of 4 stars; one submission).

Allele frequency attached by ClinVar (database versions not stated): gnomAD exomes 0.00001.
gnomAD v4.1: 10 of 1,613,936 alleles (0.00062%); highest among the groups gnomAD compares: East Asian, 0.022%; no homozygotes.

Submission:

Ambry Genetics
Classification: Uncertain significance. Last evaluated: 2024-08-10. Review status: criteria provided, single submitter. Criteria: Ambry Variant Classification Scheme 2023. Collection method: clinical testing. Allele origin: germline.
Comment: The p.T862A variant (also known as c.2584A>G), located in coding exon 24 of the KIF1B gene, results from an A to G substitution at nucleotide position 2584. The threonine at codon 862 is replaced by alanine, an amino acid with similar properties. This amino acid position is highly conserved in available vertebrate species. In addition, this alteration is predicted to be deleterious by in silico analysis. Since supporting evidence is limited at this time, the clinical significance of this alteration remains unclear.